The following is an entry in ClinVar:

ClinVar aggregate classification (germline): Uncertain significance. Review status: criteria provided, multiple submitters, no conflicts (2 of 4 stars). 2 submissions from 2 submitters: Uncertain significance (2). Last evaluated 2025-09-17.

Conditions:
Neurodevelopmental disorder and structural brain anomalies with or without seizures and spasticity. Identifiers: MedGen C5394423, MONDO:0030046, OMIM 618890.

Submissions (2):

Dasa
Classification: Uncertain significance for neurodevelopmental disorder and structural brain anomalies with or without seizures and spasticity. Last evaluated: 2025-09-17. Review status: criteria provided, single submitter. Criteria: DASA Assertion Criteria. Collection method: clinical testing. Allele origin: germline.
Comment: NM_015466.4(PTPN23):c.1465G>A (p.Ala489Thr) is a missense variant that results in the substitution of alanine with threonine. This variant is absent from population databases. Computational prediction algorithms are consistent with a benign effect. The currently available literature and clinical evidence are not sufficient to establish a definitive association between this variant and the reported condition. Therefore, this variant is classified as a variant of uncertain significance.

Labcorp Genetics (formerly Invitae), Labcorp
Classification: Uncertain significance. Last evaluated: 2022-07-27. Review status: criteria provided, single submitter. Criteria: Invitae Variant Classification Sherloc (09022015). Collection method: clinical testing. Allele origin: germline.
Comment: Algorithms developed to predict the effect of missense changes on protein structure and function are either unavailable or do not agree on the potential impact of this missense change (SIFT: "Tolerated"; PolyPhen-2: "Not Available"; Align-GVGD: "Class C0"). In summary, the available evidence is currently insufficient to determine the role of this variant in disease. Therefore, it has been classified as a Variant of Uncertain Significance. This variant has not been reported in the literature in individuals affected with PTPN23-related conditions. This variant is not present in population databases (gnomAD no frequency). This sequence change replaces alanine, which is neutral and non-polar, with threonine, which is neutral and polar, at codon 489 of the PTPN23 protein (p.Ala489Thr).

NM_015466.4(PTPN23):c.1465G>A (p.Ala489Thr)

Gene: PTPN23 (protein tyrosine phosphatase non-receptor type 23; plus strand). Cytogenetic location: 3p21.31.
Variant type: single nucleotide variant.
Coding change: c.1465G>A on transcript NM_015466.4 (MANE Select); coding-DNA position 1465, G replaced by A.
Protein change: p.Ala489Thr; replaces alanine 489 with threonine.
Molecular consequence: missense variant.
Genome position (GRCh38, 1-based): chr3:47,408,910, G>A. VCF-style: chr3-47408910-G-A. GRCh37 (hg19) VCF-style: chr3-47450400-G-A.
Other names: c.1087G>A, p.Ala363Thr (NM_001304482.2); short protein forms A363T, A489T.
Identifiers: ClinVar variation 1720122 (VCV001720122.7), dbSNP rs2546246430, ClinGen allele CA352553929.